The following is an entry in ClinVar:

ClinVar aggregate classification (germline): Uncertain significance (1 of 4 stars; one submission).

Conditions:
Cardiovascular phenotype. Identifiers: MedGen CN230736.
Hereditary cancer-predisposing syndrome. Also called: Neoplastic Syndromes, Hereditary; Tumor predisposition; Hereditary neoplastic syndrome; Hereditary Cancer Syndrome. Identifiers: Orphanet 140162, MedGen C0027672, MeSH D009386, MONDO:0015356.

gnomAD v4.1: 1 of 1,613,700 alleles (0.000062%); highest among the groups gnomAD compares: Non-Finnish European, 0.000085%; no homozygotes.

Submission:

Ambry Genetics
Classification: Uncertain significance for Cardiovascular phenotype; Hereditary cancer-predisposing syndrome. Last evaluated: 2026-09-08. Review status: criteria provided, single submitter. Criteria: Ambry Variant Classification Scheme 2023. Collection method: clinical testing. Allele origin: germline.
Comment: The p.P427R variant (also known as c.1280C>G), located in coding exon 12 of the NF1 gene, results from a C to G substitution at nucleotide position 1280. The proline at codon 427 is replaced by arginine, an amino acid with dissimilar properties. This amino acid position is highly conserved in available vertebrate species. In addition, this alteration is predicted to be deleterious by in silico analysis. Based on the available evidence, the clinical significance of this variant remains unclear.

NM_001042492.3(NF1):c.1280C>G (p.Pro427Arg)

Gene: NF1 (neurofibromin 1; plus strand). Cytogenetic location: 17q11.2.
Variant type: single nucleotide variant.
Coding change: c.1280C>G on transcript NM_001042492.3 (MANE Select); coding-DNA position 1280, C replaced by G.
Protein change: p.Pro427Arg; replaces proline 427 with arginine.
Molecular consequence: missense variant.
Genome position (GRCh38, 1-based): chr17:31,206,259, C>G. VCF-style: chr17-31206259-C-G. GRCh37 (hg19) VCF-style: chr17-29533277-C-G.
Other names: c.1280C>G, p.Pro427Arg (NM_000267.4, NM_001128147.3); short protein forms P427R.
Identifiers: ClinVar variation 5025520 (VCV005025520.1).
Genomic context (GRCh38, chr17:31,206,259, plus strand): 5'-TTTTGTACTTTTTCTTCCTATTGGTCTTTGTTTTTCTCTAGTCCGCATTGGATTGGTGGC[C>G]TAAGATTGATGCTGTGTATTGTCACTCGGTTGAACTTCGAAATATGTTTGGTGAAACACT-3'
Protein context (NP_001035957.1, residues 417-437): IITNSALDWW[Pro427Arg]KIDAVYCHSV